The following is an entry in ClinVar:

NM_130384.3(ATRIP):c.463G>C (p.Val155Leu)

Genes: ATRIP (ATR interacting protein; plus strand), ATRIP-TREX1 (ATRIP-TREX1 readthrough; plus strand). Cytogenetic location: 3p21.31.
Variant type: single nucleotide variant.
Coding change: c.463G>C on transcript NM_130384.3 (MANE Select); coding-DNA position 463, G replaced by C.
Protein change: p.Val155Leu; replaces valine 155 with leucine.
Molecular consequence: missense variant. On other transcripts: non-coding transcript variant (1).
Genome position (GRCh38, 1-based): chr3:48,451,810, G>C. VCF-style: chr3-48451810-G-C. GRCh37 (hg19) VCF-style: chr3-48493216-G-C.
Other names: c.82G>C, p.Val28Leu (NM_001271022.2); c.184G>C, p.Val62Leu (NM_001271023.2); c.463G>C, p.Val155Leu (NM_032166.4); short protein forms V155L, V28L, V62L.
Identifiers: ClinVar variation 5032459 (VCV005032459.1).

ClinVar aggregate classification (germline): Uncertain significance (1 of 4 stars; one submission).

gnomAD v4.1: 1 of 1,612,888 alleles (0.000062%); highest among the groups gnomAD compares: African/African-American, 0.0013%; no homozygotes.

Submission:

Ambry Genetics
Classification: Uncertain significance. Last evaluated: 2026-08-13. Review status: criteria provided, single submitter. Criteria: Ambry Variant Classification Scheme 2023. Collection method: clinical testing. Allele origin: germline.
Comment: The p.V155L variant (also known as c.463G>C), located in coding exon 3 of the ATRIP gene, results from a G to C substitution at nucleotide position 463. The valine at codon 155 is replaced by leucine, an amino acid with highly similar properties. This amino acid position is conserved. In addition, this alteration is predicted to be tolerated by in silico analysis. Based on the available evidence, the clinical significance of this variant remains unclear.